The following is an entry in ClinVar:

ClinVar aggregate classification (germline): Pathogenic. Review status: criteria provided, single submitter (1 of 4 stars). 2 submissions from 2 submitters: Pathogenic (1). 1 of the submissions does not count toward it. Last evaluated 2024-06-24.

Conditions:
Hereditary hemorrhagic telangiectasia (HHT). Also called: Osler hemorrhagic telangiectasia syndrome; ORW DISEASE; Osler Weber Rendu syndrome; OSLER-RENDU-WEBER DISEASE. Identifiers: Orphanet 774, MedGen C0039445, MONDO:0019180. Disease mechanism: loss of function.
Telangiectasia, hereditary hemorrhagic, type 1 (HHT1). Also called: Osler Weber Rendu syndrome type 1; ENG-Related Hereditary Hemorrhagic Telangiectasia. Identifiers: Orphanet 774, MedGen C4551861, MONDO:0008535, OMIM 187300. Disease mechanism: loss of function.

Submissions (2):

Labcorp Genetics (formerly Invitae), Labcorp
Classification: Pathogenic for Hereditary hemorrhagic telangiectasia. Last evaluated: 2024-06-24. Review status: criteria provided, single submitter. Criteria: Invitae Variant Classification Sherloc (09022015). Collection method: clinical testing. Allele origin: germline.
Comment: This sequence change creates a premature translational stop signal (p.Tyr277*) in the ENG gene. It is expected to result in an absent or disrupted protein product. Loss-of-function variants in ENG are known to be pathogenic (PMID: 15879500). This variant is not present in population databases (gnomAD no frequency). This premature translational stop signal has been observed in individual(s) with hereditary hemorrhagic telangiectasia (PMID: 12920067). ClinVar contains an entry for this variant (Variation ID: 16668). For these reasons, this variant has been classified as Pathogenic.

OMIM
Classification: Pathogenic for HEREDITARY HEMORRHAGIC TELANGIECTASIA 1. Last evaluated: 1994-12-01. Review status: no assertion criteria provided. Collection method: literature only. Allele origin: germline. Not counted in ClinVar's aggregate classification.

Literature cited by the submitters: PubMed 15879500 (cited by Labcorp Genetics (formerly Invitae), Labcorp); PubMed 12920067 (cited by Labcorp Genetics (formerly Invitae), Labcorp); PubMed 7894484 (cited by OMIM).

NM_001114753.3(ENG):c.831C>G (p.Tyr277Ter)

Gene: ENG (endoglin; minus strand). Cytogenetic location: 9q34.11.
Variant type: single nucleotide variant.
Coding change: c.831C>G on transcript NM_001114753.3 (MANE Select); coding-DNA position 831, C replaced by G.
Protein change: p.Tyr277Ter; replaces tyrosine 277 with a stop codon.
Molecular consequence: nonsense.
Genome position (GRCh38, 1-based): chr9:127,824,960, G>C on the plus strand (C>G on the coding strand, the complement: ENG is on the minus strand). VCF-style: chr9-127824960-G-C. GRCh37 (hg19) VCF-style: chr9-130587239-G-C.
Other names: c.831C>G, p.Tyr277Ter (NM_000118.4, NM_001406715.1); c.285C>G, p.Tyr95Ter (NM_001278138.2); short protein forms Y277*, Y95*.
Identifiers: ClinVar variation 16668 (VCV000016668.8), dbSNP rs121918400, ClinGen allele CA257566.